The following is an entry in ClinVar:

NM_152296.5(ATP1A3):c.2773A>G (p.Ile925Val)

Gene: ATP1A3 (ATPase Na+/K+ transporting subunit alpha 3; minus strand). Cytogenetic location: 19q13.2.
Variant type: single nucleotide variant.
Coding change: c.2773A>G on transcript NM_152296.5 (MANE Select); coding-DNA position 2773, A replaced by G.
Protein change: p.Ile925Val; replaces isoleucine 925 with valine.
Molecular consequence: missense variant.
Genome position (GRCh38, 1-based): chr19:41,968,831, T>C on the plus strand (A>G on the coding strand, the complement: ATP1A3 is on the minus strand). VCF-style: chr19-41968831-T-C. GRCh37 (hg19) VCF-style: chr19-42472983-T-C.
Other names: c.2806A>G, p.Ile936Val (NM_001256213.2); c.2812A>G, p.Ile938Val (NM_001256214.2); short protein forms I936V, I925V, I938V.
Identifiers: ClinVar variation 1402983 (VCV001402983.6), dbSNP rs2145944590, ClinGen allele CA406035975.

ClinVar aggregate classification (germline): Uncertain significance (1 of 4 stars; one submission).

Conditions:
Dystonia 12 (DYT12). Also called: Rapid-Onset Dystonia-Parkinsonism (RDP); DYT-ATP1A3. Identifiers: Orphanet 71517, MedGen C1868681, MONDO:0007496, OMIM 128235.

Allele frequency attached by ClinVar (database versions not stated): gnomAD exomes below 0.00001.
gnomAD v4.1: 5 of 1,614,058 alleles (0.00031%); highest among the groups gnomAD compares: Non-Finnish European, 0.00042%; no homozygotes.

Submission:

Labcorp Genetics (formerly Invitae), Labcorp
Classification: Uncertain significance for Dystonia 12. Last evaluated: 2023-07-07. Review status: criteria provided, single submitter. Criteria: Invitae Variant Classification Sherloc (09022015). Collection method: clinical testing. Allele origin: germline.
Comment: In summary, the available evidence is currently insufficient to determine the role of this variant in disease. Therefore, it has been classified as a Variant of Uncertain Significance. Advanced modeling of protein sequence and biophysical properties (such as structural, functional, and spatial information, amino acid conservation, physicochemical variation, residue mobility, and thermodynamic stability) has been performed at Invitae for this missense variant, however the output from this modeling did not meet the statistical confidence thresholds required to predict the impact of this variant on ATP1A3 protein function. ClinVar contains an entry for this variant (Variation ID: 1402983). This variant has not been reported in the literature in individuals affected with ATP1A3-related conditions. This variant is not present in population databases (gnomAD no frequency). This sequence change replaces isoleucine, which is neutral and non-polar, with valine, which is neutral and non-polar, at codon 925 of the ATP1A3 protein (p.Ile925Val).